The following is an entry in ClinVar:

NM_002907.4(RECQL):c.248T>G (p.Leu83Arg)

Gene: RECQL (RecQ like helicase; minus strand). Cytogenetic location: 12p12.1.
Variant type: single nucleotide variant.
Coding change: c.248T>G on transcript NM_002907.4 (MANE Select); coding-DNA position 248, T replaced by G.
Protein change: p.Leu83Arg; replaces leucine 83 with arginine.
Molecular consequence: missense variant.
Genome position (GRCh38, 1-based): chr12:21,490,345, A>C on the plus strand (T>G on the coding strand, the complement: RECQL is on the minus strand). VCF-style: chr12-21490345-A-C. GRCh37 (hg19) VCF-style: chr12-21643279-A-C.
Other names: c.248T>G, p.Leu83Arg (NM_032941.3); short protein forms L83R.
Identifiers: ClinVar variation 4745119 (VCV004745119.1).
Genomic context (GRCh38, chr12:21,490,345, plus strand): 5'-GTTACGTTAATAGTTTCAAGCTGAAGTGGTCTGAACTTTTCCAGTTTAAAGACATTTTGC[A>C]GAATATCTTTAACTTTACCAGACCATGGAAAATCTAGGAAAAGAAAGTTAAGAATCAGAC-3'
Protein context (NP_002898.2, residues 73-93): FPWSGKVKDI[Leu83Arg]QNVFKLEKFR

ClinVar aggregate classification (germline): Uncertain significance (1 of 4 stars; one submission).

Submission:

Labcorp Genetics (formerly Invitae), Labcorp
Classification: Uncertain significance. Last evaluated: 2025-10-02. Review status: criteria provided, single submitter. Criteria: Invitae Variant Classification Sherloc (09022015). Collection method: clinical testing. Allele origin: germline.
Comment: This sequence change replaces leucine, which is neutral and non-polar, with arginine, which is basic and polar, at codon 83 of the RECQL protein (p.Leu83Arg). This variant is not present in population databases (gnomAD no frequency). This variant has not been reported in the literature in individuals affected with RECQL-related conditions. Invitae Evidence Modeling of protein sequence and biophysical properties (such as structural, functional, and spatial information, amino acid conservation, physicochemical variation, residue mobility, and thermodynamic stability) indicates that this missense variant is not expected to disrupt RECQL protein function with a negative predictive value of 80%. In summary, the available evidence is currently insufficient to determine the role of this variant in disease. Therefore, it has been classified as a Variant of Uncertain Significance.